The following is an entry in ClinVar:

ClinVar aggregate classification (germline): Benign/Likely benign. Review status: criteria provided, multiple submitters, no conflicts (2 of 4 stars). 4 submissions from 4 submitters: Benign (1); Likely benign (3). Last evaluated 2025-12-16.

Conditions:
Inborn genetic diseases. Identifiers: MedGen C0950123, MeSH D030342.

Allele frequency attached by ClinVar (database versions not stated): gnomAD exomes 0.00015 and 0.00038; gnomAD 0.00020 and 0.00021; TOPMed 0.00023; ExAC 0.00030; ESP Exome Variant Server 0.00031.
gnomAD v4.1: 253 of 1,613,816 alleles (0.016%); highest among the groups gnomAD compares: Non-Finnish European, 0.002%; no homozygotes.

Submissions (4):

Labcorp Genetics (formerly Invitae), Labcorp
Classification: Benign. Last evaluated: 2025-12-16. Review status: criteria provided, single submitter. Criteria: Invitae Variant Classification Sherloc (09022015). Collection method: clinical testing. Allele origin: germline.

CeGaT Center for Human Genetics Tuebingen
Classification: Likely benign. Last evaluated: 2025-09-01. Review status: criteria provided, single submitter. Criteria: CeGaT Center For Human Genetics Tuebingen Variant Classification Criteria Version 2. Collection method: clinical testing. Allele origin: germline. Affected: yes. Observed: 1 variant allele.
Comment: SMARCA2: BP4, BP7

GeneDx
Classification: Likely benign. Last evaluated: 2021-12-14. Review status: criteria provided, single submitter. Criteria: GeneDx Variant Classification Process June 2021. Collection method: clinical testing. Allele origin: germline. Affected: yes.

Ambry Genetics
Classification: Likely benign for Inborn genetic diseases. Last evaluated: 2018-03-23. Review status: criteria provided, single submitter. Criteria: Ambry Variant Classification Scheme 2023. Collection method: clinical testing. Allele origin: germline.

NM_003070.5(SMARCA2):c.2929C>T (p.Leu977=)

Gene: SMARCA2 (SWI/SNF related BAF chromatin remodeling complex subunit ATPase 2; plus strand). Cytogenetic location: 9p24.3.
Variant type: single nucleotide variant.
Coding change: c.2929C>T on transcript NM_003070.5 (MANE Select); coding-DNA position 2929, C replaced by T.
Protein change: p.Leu977=; no amino-acid change (leucine 977 retained).
Molecular consequence: synonymous variant.
Genome position (GRCh38, 1-based): chr9:2,096,702, C>T. VCF-style: chr9-2096702-C-T. GRCh37 (hg19) VCF-style: chr9-2096702-C-T.
Other names: c.2929C>T, p.Leu977= (NM_001289396.2, NM_139045.4); c.2755C>T, p.Leu919= (NM_001289397.2).
Identifiers: ClinVar variation 1327749 (VCV001327749.14), dbSNP rs139445919, ClinGen allele CA4963609.